The following is an entry in ClinVar:

NM_001267550.2(TTN):c.3549C>T (p.Ser1183=)

Gene: TTN (titin; minus strand). Cytogenetic location: 2q31.2.
Variant type: single nucleotide variant.
Coding change: c.3549C>T on transcript NM_001267550.2 (MANE Select); coding-DNA position 3549, C replaced by T.
Protein change: p.Ser1183=; no amino-acid change (serine 1183 retained).
Molecular consequence: synonymous variant.
Genome position (GRCh38, 1-based): chr2:178,780,180, G>A on the plus strand (C>T on the coding strand, the complement: TTN is on the minus strand). VCF-style: chr2-178780180-G-A. GRCh37 (hg19) VCF-style: chr2-179644907-G-A.
Other names: c.3549C>T, p.Ser1183= (NM_001256850.1, NM_133378.4, NM_133379.5); c.3411C>T, p.Ser1137= (NM_003319.4, NM_133432.3, NM_133437.4).
Identifiers: ClinVar variation 679527 (VCV000679527.15), dbSNP rs764819788, ClinGen allele CA2005521.

ClinVar aggregate classification (germline): Conflicting classifications of pathogenicity. Review status: criteria provided, conflicting classifications (1 of 4 stars). 5 submissions from 5 submitters: Uncertain significance (1); Likely benign (4). Last evaluated 2025-11-21.

Conditions:
TTN-related disorder. Also called: TTN-related disorders; TTN-related condition; TTN-related disease.
Dilated cardiomyopathy 1G (CMD1G). Identifiers: Orphanet 154, MedGen C1858763, MONDO:0011400, OMIM 604145.
Autosomal recessive limb-girdle muscular dystrophy type 2J (LGMDR10). Also called: MUSCULAR DYSTROPHY, LIMB-GIRDLE, AUTOSOMAL RECESSIVE 10; Limb-girdle muscular dystrophy, type 2J. Identifiers: Orphanet 140922, MedGen C1837342, MONDO:0012127, OMIM 608807.
Cardiovascular phenotype. Identifiers: MedGen CN230736.

Allele frequency attached by ClinVar (database versions not stated): gnomAD exomes 0.00001; ExAC 0.00002; gnomAD 0.00003 and 0.00004; TOPMed 0.00009.
gnomAD v4.1: 13 of 1,613,606 alleles (0.00081%); highest among the groups gnomAD compares: African/African-American, 0.015%; no homozygotes.

Submissions (5):

Labcorp Genetics (formerly Invitae), Labcorp
Classification: Likely benign for Dilated cardiomyopathy 1G; Autosomal recessive limb-girdle muscular dystrophy type 2J. Last evaluated: 2025-11-21. Review status: criteria provided, single submitter. Criteria: Invitae Variant Classification Sherloc (09022015). Collection method: clinical testing. Allele origin: germline.

Revvity Omics, Revvity
Classification: Uncertain significance. Last evaluated: 2025-06-12. Review status: criteria provided, single submitter. Criteria: ACMG Guidelines, 2015. Collection method: clinical testing. Allele origin: germline.

PreventionGenetics, part of Exact Sciences
Classification: Likely benign for TTN-related condition. Last evaluated: 2025-05-21. Review status: criteria provided, single submitter. Criteria: ACMG Guidelines, 2015. Collection method: clinical testing. Allele origin: germline.
Comment: This variant is classified as likely benign based on ACMG/AMP sequence variant interpretation guidelines (Richards et al. 2015 PMID: 25741868, with internal and published modifications).

GeneDx
Classification: Likely benign. Last evaluated: 2021-04-08. Review status: criteria provided, single submitter. Criteria: GeneDx Variant Classification Process June 2021. Collection method: clinical testing. Allele origin: germline. Affected: yes.

Ambry Genetics
Classification: Likely benign for Cardiovascular phenotype. Last evaluated: 2020-02-05. Review status: criteria provided, single submitter. Criteria: Ambry Variant Classification Scheme 2023. Collection method: clinical testing. Allele origin: germline.